The following is an entry in ClinVar:

NM_003482.4(KMT2D):c.3408G>T (p.Glu1136Asp)

Gene: KMT2D (lysine methyltransferase 2D; minus strand). Cytogenetic location: 12q13.12.
Variant type: single nucleotide variant.
Coding change: c.3408G>T on transcript NM_003482.4 (MANE Select); coding-DNA position 3408, G replaced by T.
Protein change: p.Glu1136Asp; replaces glutamic acid 1136 with aspartic acid.
Molecular consequence: missense variant.
Genome position (GRCh38, 1-based): chr12:49,050,180, C>A on the plus strand (G>T on the coding strand, the complement: KMT2D is on the minus strand). VCF-style: chr12-49050180-C-A. GRCh37 (hg19) VCF-style: chr12-49443963-C-A.
Other names: c.3408G>T (NM_003482.3); short protein forms E1136D.
Identifiers: ClinVar variation 1612559 (VCV001612559.9), dbSNP rs372234918, ClinGen allele CA6548054.
Genomic context (GRCh38, chr12:49,050,180, plus strand): 5'-GTCCAGGAGCACAGGGGAGCCTTTAAGTTCACTAGCCAAACTGCCAGGGGTCTGTCCAGG[C>A]TCTGGCTGTGAACCCGGAGCATCAATCCCATCCAGAGGGGCTGTGTCTTCCCCTAGGCCA-3'
Protein context (NP_003473.3, residues 1126-1146): DGIDAPGSQP[Glu1136Asp]PGQTPGSLAS

ClinVar aggregate classification (germline): Likely benign. Review status: criteria provided, multiple submitters, no conflicts (2 of 4 stars). 2 submissions from 2 submitters: Likely benign (2). Last evaluated 2025-06-24.

Conditions:
KMT2D-related disorder. Also called: KMT2D-Related Disorders.
Kabuki syndrome. Also called: NIIKAWA-KUROKI SYNDROME; Kabuki make-up syndrome. Identifiers: Orphanet 2322, MedGen C0796004, MONDO:0016512.

Allele frequency attached by ClinVar (database versions not stated): ESP Exome Variant Server 0.00017; 1000 Genomes Project 0.00020; 1000 Genomes Project 30x 0.00031.
gnomAD v4.1: 82 of 1,613,822 alleles (0.0051%); highest among the groups gnomAD compares: African/African-American, 0.056%; no homozygotes.

Submissions (2):

Labcorp Genetics (formerly Invitae), Labcorp
Classification: Likely benign for Kabuki syndrome. Last evaluated: 2025-06-24. Review status: criteria provided, single submitter. Criteria: Invitae Variant Classification Sherloc (09022015). Collection method: clinical testing. Allele origin: germline.

PreventionGenetics, part of Exact Sciences
Classification: Likely benign for KMT2D-related condition. Last evaluated: 2025-01-22. Review status: criteria provided, single submitter. Criteria: ACMG Guidelines, 2015. Collection method: clinical testing. Allele origin: germline.
Comment: This variant is classified as likely benign based on ACMG/AMP sequence variant interpretation guidelines (Richards et al. 2015 PMID: 25741868, with internal and published modifications).